The following is an entry in ClinVar:

ClinVar aggregate classification (germline): Likely benign (1 of 4 stars; one submission).

Allele frequency attached by ClinVar (database versions not stated): TOPMed below 0.00001; gnomAD exomes 0.00001.
gnomAD v4.1: 11 of 1,613,706 alleles (0.00068%); highest among the groups gnomAD compares: Non-Finnish European, 0.00093%; no homozygotes.

Submission:

GeneDx
Classification: Likely benign. Last evaluated: 2018-03-12. Review status: criteria provided, single submitter. Criteria: GeneDx Variant Classification (06012015). Collection method: clinical testing. Allele origin: germline. Affected: yes.
Comment: This variant is considered likely benign or benign based on one or more of the following criteria: it is a conservative change, it occurs at a poorly conserved position in the protein, it is predicted to be benign by multiple in silico algorithms, and/or has population frequency not consistent with disease.

NM_020774.4(MIB1):c.1450T>C (p.Leu484=)

Gene: MIB1 (MIB E3 ubiquitin protein ligase 1; plus strand). Cytogenetic location: 18q11.2.
Variant type: single nucleotide variant.
Coding change: c.1450T>C on transcript NM_020774.4 (MANE Select); coding-DNA position 1450, T replaced by C.
Protein change: p.Leu484=; no amino-acid change (leucine 484 retained).
Molecular consequence: synonymous variant.
Genome position (GRCh38, 1-based): chr18:21,803,985, T>C. VCF-style: chr18-21803985-T-C. GRCh37 (hg19) VCF-style: chr18-19383946-T-C.
Identifiers: ClinVar variation 515975 (VCV000515975.1), dbSNP rs1555692874, ClinGen allele CA503294144.